The following is an entry in ClinVar:

ClinVar aggregate classification (germline): Uncertain significance (1 of 4 stars; one submission).

Conditions:
Hereditary cancer-predisposing syndrome. Also called: Hereditary neoplastic syndrome; Neoplastic Syndromes, Hereditary; Tumor predisposition; Hereditary Cancer Syndrome. Identifiers: Orphanet 140162, MedGen C0027672, MeSH D009386, MONDO:0015356.

Submission:

Ambry Genetics
Classification: Uncertain significance for Hereditary cancer-predisposing syndrome. Last evaluated: 2025-02-19. Review status: criteria provided, single submitter. Criteria: Ambry Variant Classification Scheme 2023. Collection method: clinical testing. Allele origin: germline.
Comment: The p.L162W variant (also known as c.485T>G), located in coding exon 4 of the EPCAM gene, results from a T to G substitution at nucleotide position 485. The leucine at codon 162 is replaced by tryptophan, an amino acid with similar properties. This amino acid position is conserved. In addition, the in silico prediction for this alteration is inconclusive. Based on the available evidence, the clinical significance of this variant remains unclear.

NM_002354.3(EPCAM):c.485T>G (p.Leu162Trp)

Gene: EPCAM (epithelial cell adhesion molecule; plus strand). Cytogenetic location: 2p21.
Variant type: single nucleotide variant.
Coding change: c.485T>G on transcript NM_002354.3 (MANE Select); coding-DNA position 485, T replaced by G.
Protein change: p.Leu162Trp; replaces leucine 162 with tryptophan.
Molecular consequence: missense variant.
Genome position (GRCh38, 1-based): chr2:47,375,293, T>G. VCF-style: chr2-47375293-T-G. GRCh37 (hg19) VCF-style: chr2-47602432-T-G.
Other names: short protein forms L162W.
Identifiers: ClinVar variation 3845309 (VCV003845309.1).